The following is an entry in ClinVar:

ClinVar aggregate classification (germline): Conflicting classifications of pathogenicity. Review status: criteria provided, conflicting classifications (1 of 4 stars). 12 submissions from 8 submitters: Uncertain significance (7); Benign (2); Likely benign (3). Last evaluated 2026-09-08.

Conditions:
TTN-related disorder. Also called: TTN-related condition; TTN-related disease; TTN-related disorders.
Cardiovascular phenotype. Identifiers: MedGen CN230736.
Cardiomyopathy (CMYO). Also called: Cardiomyopathies. Identifiers: Orphanet 167848, MedGen C0878544, MONDO:0004994, HP:0001638. Inheritance: Various modes of inheritance.
Tibial muscular dystrophy (TMD). Also called: Tibial muscular dystrophy, tardive; UDD MYOPATHY; Udd Distal Myopathy – Tibial Muscular Dystrophy. Identifiers: Orphanet 609, MedGen C1838244, MONDO:0010870, OMIM 600334.
Dilated cardiomyopathy 1G (CMD1G). Identifiers: Orphanet 154, MedGen C1858763, MONDO:0011400, OMIM 604145.
Early-onset myopathy with fatal cardiomyopathy (CMYO5). Also called: Salih Myopathy; CONGENITAL MYOPATHY 5 WITH CARDIOMYOPATHY. Identifiers: Orphanet 289377, MedGen C2673677, MONDO:0012714, OMIM 611705. Disease mechanism: loss of function.
Autosomal recessive limb-girdle muscular dystrophy type 2J (LGMDR10). Also called: Limb-girdle muscular dystrophy, type 2J; MUSCULAR DYSTROPHY, LIMB-GIRDLE, AUTOSOMAL RECESSIVE 10. Identifiers: Orphanet 140922, MedGen C1837342, MONDO:0012127, OMIM 608807.
Myopathy, myofibrillar, 9, with early respiratory failure (MFM9). Also called: EDSTROM MYOPATHY; Myopathy, distal, with early respiratory failure, autosomal dominant; Hereditary myopathy with early respiratory failure; MYOPATHY, PROXIMAL, WITH EARLY RESPIRATORY MUSCLE INVOLVEMENT. Identifiers: Orphanet 178464, Orphanet 34521, MedGen C1863599, MONDO:0011362, OMIM 603689.

Allele frequency attached by ClinVar (database versions not stated): gnomAD 0.00013; TOPMed 0.00015; ESP Exome Variant Server 0.00031.
gnomAD v4.1: 242 of 1,613,836 alleles (0.015%); highest among the groups gnomAD compares: Admixed American, 0.067%; 1 homozygote.

Submissions (12):

PreventionGenetics, part of Exact Sciences
Classification: Uncertain significance for TTN-related condition. Last evaluated: 2026-09-08. Review status: criteria provided, single submitter. Criteria: ACMG Guidelines, 2015. Collection method: clinical testing. Allele origin: germline.
Comment: The TTN c.6359G>A variant is predicted to result in the amino acid substitution p.Arg2120Gln. To our knowledge, this variant has not been reported in the literature. This variant is reported in 0.020% of alleles in individuals of European (Non-Finnish) descent in gnomAD. Although we suspect that this variant may be benign, at this time, the clinical significance of this variant is uncertain due to the absence of conclusive functional and genetic evidence.

Revvity Omics, Revvity
Classification: Uncertain significance. Last evaluated: 2024-07-09. Review status: criteria provided, single submitter. Criteria: ACMG Guidelines, 2015. Collection method: clinical testing. Allele origin: germline.

Blueprint Genetics
Classification: Likely benign. Last evaluated: 2024-03-05. Review status: criteria provided, single submitter. Criteria: ACMG Guidelines, 2015. Collection method: clinical testing. Allele origin: germline.

GeneDx
Classification: Likely benign. Last evaluated: 2020-10-29. Review status: criteria provided, single submitter. Criteria: GeneDx Variant Classification Process June 2021. Collection method: clinical testing. Allele origin: germline. Affected: yes.

Ambry Genetics
Classification: Likely benign for Cardiovascular phenotype. Last evaluated: 2020-09-16. Review status: criteria provided, single submitter. Criteria: Ambry Variant Classification Scheme 2023. Collection method: clinical testing. Allele origin: germline.

CHEO Genetics Diagnostic Laboratory, Children's Hospital of Eastern Ontario
Classification: Uncertain significance for Cardiomyopathy. Last evaluated: 2020-06-18. Review status: criteria provided, single submitter. Criteria: ACMG Guidelines, 2015. Collection method: clinical testing. Allele origin: germline.

Illumina Laboratory Services, Illumina
Classification: Uncertain significance for Autosomal recessive limb-girdle muscular dystrophy type 2J. Last evaluated: 2018-01-13. Review status: criteria provided, single submitter. Criteria: ICSL Variant Classification Criteria 13 December 2019. Collection method: clinical testing. Allele origin: germline.

Illumina Laboratory Services, Illumina
Classification: Uncertain significance for Dilated cardiomyopathy 1G. Last evaluated: 2018-01-13. Review status: criteria provided, single submitter. Criteria: ICSL Variant Classification Criteria 13 December 2019. Collection method: clinical testing. Allele origin: germline.

Illumina Laboratory Services, Illumina
Classification: Benign for Tibial muscular dystrophy. Last evaluated: 2018-01-13. Review status: criteria provided, single submitter. Criteria: ICSL Variant Classification Criteria 13 December 2019. Collection method: clinical testing. Allele origin: germline.
Comment: This variant was observed in the ICSL laboratory as part of a predisposition screen in an ostensibly healthy population. It had not been previously curated by ICSL or reported in the Human Gene Mutation Database (HGMD: prior to June 1st, 2018), and was therefore a candidate for classification through an automated scoring system. Utilizing variant allele frequency, disease prevalence and penetrance estimates, and inheritance mode, an automated score was calculated to assess if this variant is too frequent to cause the disease. Based on the score and internal cut-off values, a variant classified as benign is not then subjected to further curation. The score for this variant resulted in a classification of benign for this disease.

Illumina Laboratory Services, Illumina
Classification: Uncertain significance for Early-onset myopathy with fatal cardiomyopathy. Last evaluated: 2018-01-13. Review status: criteria provided, single submitter. Criteria: ICSL Variant Classification Criteria 13 December 2019. Collection method: clinical testing. Allele origin: germline.

Illumina Laboratory Services, Illumina
Classification: Benign for Myopathy, myofibrillar, 9, with early respiratory failure. Last evaluated: 2018-01-13. Review status: criteria provided, single submitter. Criteria: ICSL Variant Classification Criteria 13 December 2019. Collection method: clinical testing. Allele origin: germline.
Comment: the same text as in the submission from Illumina Laboratory Services, Illumina above.

Eurofins Ntd Llc (ga)
Classification: Uncertain significance. Last evaluated: 2017-03-26. Review status: criteria provided, single submitter. Criteria: EGL Classification Definitions 2015. Collection method: clinical testing. Allele origin: germline. Observed: 4 variant alleles, 4 heterozygotes.

NM_001267550.2(TTN):c.6359G>A (p.Arg2120Gln)

Gene: TTN (titin; minus strand). Cytogenetic location: 2q31.2.
Variant type: single nucleotide variant.
Coding change: c.6359G>A on transcript NM_001267550.2 (MANE Select); coding-DNA position 6359, G replaced by A.
Protein change: p.Arg2120Gln; replaces arginine 2120 with glutamine.
Molecular consequence: missense variant.
Genome position (GRCh38, 1-based): chr2:178,775,505, C>T on the plus strand (G>A on the coding strand, the complement: TTN is on the minus strand). VCF-style: chr2-178775505-C-T. GRCh37 (hg19) VCF-style: chr2-179640232-C-T.
Other names: c.6359G>A, p.Arg2120Gln (NM_001256850.1, NM_133378.4, NM_133379.5); c.6221G>A, p.Arg2074Gln (NM_003319.4, NM_133432.3, NM_133437.4); short protein forms R2120Q, R2074Q.
Identifiers: ClinVar variation 497010 (VCV000497010.18), dbSNP rs141142920, ClinGen allele CA2005064.